The following is an entry in ClinVar:

ClinVar aggregate classification (germline): Likely pathogenic (1 of 4 stars; one submission).

Conditions:
Osteoporosis with pseudoglioma (OPPG). Also called: osteoporosis-pseudoglioma syndrome. Identifiers: Orphanet 2788, MedGen C0432252, MONDO:0009820, OMIM 259770.

Submission:

3billion
Classification: Likely pathogenic for Osteoporosis with pseudoglioma. Last evaluated: 2023-12-10. Review status: criteria provided, single submitter. Criteria: ACMG Guidelines, 2015. Collection method: clinical testing. Allele origin: germline. Affected: yes.
Comment: The variant is not observed in the gnomAD v2.1.1 dataset. Predicted Consequence/Location: Stop-gained (nonsense): predicted to result in a loss or disruption of normal protein function through nonsense-mediated decay (NMD) or protein truncation. Multiple pathogenic variants are reported downstream of the variant. Therefore, this variant is classified as Likely pathogenic according to the recommendation of ACMG/AMP guideline.

NM_002335.4(LRP5):c.1102C>T (p.Gln368Ter)

Gene: LRP5 (LDL receptor related protein 5; plus strand). Cytogenetic location: 11q13.2.
Variant type: single nucleotide variant.
Coding change: c.1102C>T on transcript NM_002335.4 (MANE Select); coding-DNA position 1102, C replaced by T.
Protein change: p.Gln368Ter; replaces glutamine 368 with a stop codon.
Molecular consequence: nonsense. On other transcripts: 5 prime UTR variant (1).
Genome position (GRCh38, 1-based): chr11:68,386,402, C>T. VCF-style: chr11-68386402-C-T. GRCh37 (hg19) VCF-style: chr11-68153870-C-T.
Other names: c.-664C>T (NM_001291902.2); short protein forms Q368*.
Identifiers: ClinVar variation 3775387 (VCV003775387.1).